The following is an entry in ClinVar:

ClinVar aggregate classification (germline): Uncertain significance (1 of 4 stars; one submission).

Conditions:
Cardiovascular phenotype. Identifiers: MedGen CN230736.

Allele frequency attached by ClinVar (database versions not stated): ExAC 0.00001; TOPMed 0.00001; gnomAD exomes 0.00003.
gnomAD v4.1: 41 of 1,612,746 alleles (0.0025%); highest among the groups gnomAD compares: Non-Finnish European, 0.0033%; no homozygotes.

Submission:

Ambry Genetics
Classification: Uncertain significance for Cardiovascular phenotype. Last evaluated: 2021-09-09. Review status: criteria provided, single submitter. Criteria: Ambry Variant Classification Scheme 2023. Collection method: clinical testing. Allele origin: germline.
Comment: The p.H338R variant (also known as c.1013A>G), located in coding exon 9 of the PRDM5 gene, results from an A to G substitution at nucleotide position 1013. The histidine at codon 338 is replaced by arginine, an amino acid with highly similar properties. This amino acid position is conserved. In addition, this alteration is predicted to be deleterious by in silico analysis. Since supporting evidence is limited at this time, the clinical significance of this alteration remains unclear.

NM_018699.4(PRDM5):c.1013A>G (p.His338Arg)

Gene: PRDM5 (PR/SET domain 5; minus strand). Cytogenetic location: 4q27.
Variant type: single nucleotide variant.
Coding change: c.1013A>G on transcript NM_018699.4 (MANE Select); coding-DNA position 1013, A replaced by G.
Protein change: p.His338Arg; replaces histidine 338 with arginine.
Molecular consequence: missense variant.
Genome position (GRCh38, 1-based): chr4:120,799,678, T>C on the plus strand (A>G on the coding strand, the complement: PRDM5 is on the minus strand). VCF-style: chr4-120799678-T-C. GRCh37 (hg19) VCF-style: chr4-121720833-T-C.
Other names: c.920A>G, p.His307Arg (NM_001300823.2, NM_001300824.2, NM_001379106.1); c.1013A>G, p.His338Arg (NM_001379104.1); short protein forms H307R, H338R.
Identifiers: ClinVar variation 1735883 (VCV001735883.2), dbSNP rs756757676, ClinGen allele CA3061192.
Genomic context (GRCh38, chr4:120,799,678, plus strand): 5'-TTTGTAATGATATCACTATAAACAAAAAAAGTATATAGTTTACCTGAGTGGGTGATCATA[T>C]GACGTTTTAGCTGATTAGCTGAAATAAATTTCTTCATACATTCTTGACAATCAAATATCT-3'
Protein context (NP_061169.2, residues 328-348): KFISANQLKR[His338Arg]MITHSEKRPY